The following is an entry in ClinVar:

ClinVar aggregate classification (germline): Conflicting classifications of pathogenicity. Review status: criteria provided, conflicting classifications (1 of 4 stars). 2 submissions from 2 submitters: Uncertain significance (1); Likely benign (1). Last evaluated 2025-07-31.

Conditions:
Hereditary cancer-predisposing syndrome. Also called: Hereditary Cancer Syndrome; Tumor predisposition; Hereditary neoplastic syndrome; Neoplastic Syndromes, Hereditary. Identifiers: Orphanet 140162, MedGen C0027672, MeSH D009386, MONDO:0015356.

Allele frequency attached by ClinVar (database versions not stated): gnomAD 0.00001; ExAC 0.00002; 1000 Genomes Project 30x 0.00016; 1000 Genomes Project 0.00020.
gnomAD v4.1: 3 of 1,594,566 alleles (0.00019%); highest among the groups gnomAD compares: South Asian, 0.0034%; no homozygotes.

Submissions (2):

Labcorp Genetics (formerly Invitae), Labcorp
Classification: Uncertain significance. Last evaluated: 2025-07-31. Review status: criteria provided, single submitter. Criteria: Invitae Variant Classification Sherloc (09022015). Collection method: clinical testing. Allele origin: germline.
Comment: This sequence change replaces glutamic acid, which is acidic and polar, with glycine, which is neutral and non-polar, at codon 6 of the NTHL1 protein (p.Glu6Gly). This variant is present in population databases (rs566165031, gnomAD 0.007%). This variant has not been reported in the literature in individuals affected with NTHL1-related conditions. ClinVar contains an entry for this variant (Variation ID: 2908216). An algorithm developed to predict the effect of missense changes on protein structure and function (PolyPhen-2) suggests that this variant is likely to be tolerated. In summary, the available evidence is currently insufficient to determine the role of this variant in disease. Therefore, it has been classified as a Variant of Uncertain Significance.

Ambry Genetics
Classification: Likely benign for Hereditary cancer-predisposing syndrome. Last evaluated: 2025-01-30. Review status: criteria provided, single submitter. Criteria: Ambry Variant Classification Scheme 2023. Collection method: clinical testing. Allele origin: germline.

NM_002528.7(NTHL1):c.-8A>G

Gene: NTHL1 (nth like DNA glycosylase 1; minus strand). Cytogenetic location: 16p13.3.
Variant type: single nucleotide variant.
Coding change: c.-8A>G on transcript NM_002528.7 (MANE Select); 8 bases upstream of the start codon, A replaced by G.
Molecular consequence: 5 prime UTR variant.
Genome position (GRCh38, 1-based): chr16:2,047,831, T>C on the plus strand (A>G on the coding strand, the complement: NTHL1 is on the minus strand). VCF-style: chr16-2047831-T-C. GRCh37 (hg19) VCF-style: chr16-2097832-T-C.
Other names: c.-8A>G (NM_001318193.2); c.-186A>G (NM_001318194.2); c.17A>G (NM_002528.5).
Identifiers: ClinVar variation 2908216 (VCV002908216.4), dbSNP rs566165031, ClinGen allele CA027603.